The following is an entry in ClinVar:

NM_003660.4(PPFIA3):c.2488C>T (p.Arg830Cys)

Gene: PPFIA3 (PTPRF interacting protein alpha 3; plus strand). Cytogenetic location: 19q13.33.
Variant type: single nucleotide variant.
Coding change: c.2488C>T on transcript NM_003660.4 (MANE Select); coding-DNA position 2488, C replaced by T.
Protein change: p.Arg830Cys; replaces arginine 830 with cysteine.
Molecular consequence: missense variant. On other transcripts: non-coding transcript variant (1).
Genome position (GRCh38, 1-based): chr19:49,142,059, C>T. VCF-style: chr19-49142059-C-T. GRCh37 (hg19) VCF-style: chr19-49645316-C-T.
Other names: short protein forms R830C.
Identifiers: ClinVar variation 3359683 (VCV003359683.2).

ClinVar aggregate classification (germline): Uncertain significance. Review status: criteria provided, multiple submitters, no conflicts (2 of 4 stars). 2 submissions from 2 submitters: Uncertain significance (2). Last evaluated 2024-10-08.

Conditions:
Inborn genetic diseases. Identifiers: MedGen C0950123, MeSH D030342.

Submissions (2):

Ambry Genetics
Classification: Uncertain significance for Inborn genetic diseases. Last evaluated: 2024-10-08. Review status: criteria provided, single submitter. Criteria: Ambry Variant Classification Scheme 2023. Collection method: clinical testing. Allele origin: germline.

GeneDx
Classification: Uncertain significance. Last evaluated: 2023-06-08. Review status: criteria provided, single submitter. Criteria: GeneDx Variant Classification Process June 2021. Collection method: clinical testing. Allele origin: germline. Affected: yes.
Comment: Not observed at significant frequency in large population cohorts (gnomAD); In silico analysis supports that this missense variant has a deleterious effect on protein structure/function; Has not been previously published as pathogenic or benign to our knowledge; Variants in candidate genes are classified as variants of uncertain significance in accordance with ACMG guidelines (Richards et al., 2015)